The following is an entry in ClinVar:

ClinVar aggregate classification (germline): Uncertain significance. Review status: criteria provided, multiple submitters, no conflicts (2 of 4 stars). 3 submissions from 3 submitters: Uncertain significance (3). Last evaluated 2024-09-01.

Conditions:
Inborn genetic diseases. Identifiers: MedGen C0950123, MeSH D030342.

Allele frequency attached by ClinVar (database versions not stated): ESP Exome Variant Server 0.00008; gnomAD exomes 0.00009; TOPMed 0.00015; ExAC 0.00017; gnomAD 0.00017; 1000 Genomes Project 30x 0.00047; 1000 Genomes Project 0.00060.
gnomAD v4.1: 178 of 1,590,372 alleles (0.011%); highest among the groups gnomAD compares: Middle Eastern, 0.19%; no homozygotes.

Submissions (3):

CeGaT Center for Human Genetics Tuebingen
Classification: Uncertain significance. Last evaluated: 2024-09-01. Review status: criteria provided, single submitter. Criteria: CeGaT Center For Human Genetics Tuebingen Variant Classification Criteria Version 2. Collection method: clinical testing. Allele origin: germline. Affected: yes. Observed: 1 variant allele.
Comment: CPAMD8: PM2, BP4

Labcorp Genetics (formerly Invitae), Labcorp
Classification: Uncertain significance. Last evaluated: 2022-05-15. Review status: criteria provided, single submitter. Criteria: Invitae Variant Classification Sherloc (09022015). Collection method: clinical testing. Allele origin: germline.
Comment: This sequence change replaces proline, which is neutral and non-polar, with leucine, which is neutral and non-polar, at codon 1568 of the CPAMD8 protein (p.Pro1568Leu). This variant is present in population databases (rs200142695, gnomAD 0.09%). This variant has not been reported in the literature in individuals affected with CPAMD8-related conditions. Algorithms developed to predict the effect of missense changes on protein structure and function (SIFT, PolyPhen-2, Align-GVGD) all suggest that this variant is likely to be tolerated. In summary, the available evidence is currently insufficient to determine the role of this variant in disease. Therefore, it has been classified as a Variant of Uncertain Significance.

Ambry Genetics
Classification: Uncertain significance for Inborn genetic diseases. Last evaluated: 2021-07-21. Review status: criteria provided, single submitter. Criteria: Ambry Variant Classification Scheme 2023. Collection method: clinical testing. Allele origin: germline.

NM_015692.5(CPAMD8):c.4562C>T (p.Pro1521Leu)

Gene: CPAMD8 (C3 and PZP like alpha-2-macroglobulin domain containing 8; minus strand). Cytogenetic location: 19p13.11.
Variant type: single nucleotide variant.
Coding change: c.4562C>T on transcript NM_015692.5 (MANE Select); coding-DNA position 4562, C replaced by T.
Protein change: p.Pro1521Leu; replaces proline 1521 with leucine.
Molecular consequence: missense variant.
Genome position (GRCh38, 1-based): chr19:16,902,772, G>A on the plus strand (C>T on the coding strand, the complement: CPAMD8 is on the minus strand). VCF-style: chr19-16902772-G-A. GRCh37 (hg19) VCF-style: chr19-17013582-G-A.
Other names: c.4703C>T (NM_015692.2); short protein forms P1521L.
Identifiers: ClinVar variation 2071301 (VCV002071301.19), dbSNP rs200142695, ClinGen allele CA9284556.